The following is an entry in ClinVar:

NM_001128840.3(CACNA1D):c.2358_2363del (p.Lys786_Lys787del)

Gene: CACNA1D (calcium voltage-gated channel subunit alpha1 D; plus strand). Cytogenetic location: 3p21.1.
Variant type: Deletion.
Coding change: c.2358_2363del on transcript NM_001128840.3 (MANE Select); coding-DNA positions 2358 to 2363, 6 bases deleted (AAAGAA; older notation c.2358_2363delAAAGAA).
Protein change: p.Lys786_Lys787del.
Genome position (GRCh38, 1-based): chr3:53,731,098-53,731,103, AAAGAA deleted; deleting any 6 consecutive bases within chr3:53,731,096-53,731,103 gives the same sequence; the c. name uses the placement nearest the transcript's 3' end. VCF-style (leftmost placement, unchanged base first): chr3-53731095-TAAAAAG-T. GRCh37 (hg19) VCF-style: chr3-53765122-TAAAAAG-T.
Other names: c.2418_2423del, p.Lys806_Lys807del (NM_000720.4); c.2358_2363del, p.Lys786_Lys787del (NM_001128839.3).
Identifiers: ClinVar variation 3897310 (VCV003897310.2).

ClinVar aggregate classification (germline): Uncertain significance. Review status: criteria provided, multiple submitters, no conflicts (2 of 4 stars). 2 submissions from 2 submitters: Uncertain significance (2). Last evaluated 2025-11-22.

Submissions (2):

Labcorp Genetics (formerly Invitae), Labcorp
Classification: Uncertain significance. Last evaluated: 2025-11-22. Review status: criteria provided, single submitter. Criteria: Invitae Variant Classification Sherloc (09022015). Collection method: clinical testing. Allele origin: germline.
Comment: This variant, c.2418_2423del, results in the deletion of 2 amino acid(s) of the CACNA1D protein (p.Lys806_Lys807del), but otherwise preserves the integrity of the reading frame. This variant is not present in population databases (gnomAD no frequency). This variant has not been reported in the literature in individuals affected with CACNA1D-related conditions. ClinVar contains an entry for this variant (Variation ID: 3897310). In summary, the available evidence is currently insufficient to determine the role of this variant in disease. Therefore, it has been classified as a Variant of Uncertain Significance.

GeneDx
Classification: Uncertain significance. Last evaluated: 2024-10-31. Review status: criteria provided, single submitter. Criteria: GeneDx Variant Classification Process June 2021. Collection method: clinical testing. Allele origin: germline. Affected: yes.
Comment: Not observed at significant frequency in large population cohorts (gnomAD); In-frame deletion of 2 amino acids in a non-repeat region; In silico analysis indicates that this variant does not alter protein structure/function; Has not been previously published as pathogenic or benign to our knowledge